The following is an entry in ClinVar:

ClinVar aggregate classification (germline): Uncertain significance. Review status: criteria provided, multiple submitters, no conflicts (2 of 4 stars). 2 submissions from 2 submitters: Uncertain significance (2). Last evaluated 2025-01-22.

Conditions:
Hereditary cancer-predisposing syndrome. Also called: Neoplastic Syndromes, Hereditary; Tumor predisposition; Hereditary neoplastic syndrome; Hereditary Cancer Syndrome. Identifiers: Orphanet 140162, MedGen C0027672, MeSH D009386, MONDO:0015356.
POLD1-related polyposis and colorectal cancer syndrome (CRCS10). Also called: COLORECTAL CANCER, SUSCEPTIBILITY TO, ON CHROMOSOME 19q; Colorectal cancer 10; Colorectal cancer, susceptibility to, 10. Identifiers: Orphanet 220460, MedGen C2675481, MONDO:0012953, OMIM 612591.

Submissions (2):

Ambry Genetics
Classification: Uncertain significance for Hereditary cancer-predisposing syndrome. Last evaluated: 2025-01-22. Review status: criteria provided, single submitter. Criteria: Ambry Variant Classification Scheme 2023. Collection method: clinical testing. Allele origin: germline.
Comment: The p.K1087E variant (also known as c.3259A>G), located in coding exon 26 of the POLD1 gene, results from an A to G substitution at nucleotide position 3259. The lysine at codon 1087 is replaced by glutamic acid, an amino acid with similar properties. This amino acid position is conserved. In addition, this alteration is predicted to be tolerated by in silico analysis. Based on the available evidence, the clinical significance of this variant remains unclear.

Labcorp Genetics (formerly Invitae), Labcorp
Classification: Uncertain significance for POLD1-related polyposis and colorectal cancer syndrome. Last evaluated: 2022-02-25. Review status: criteria provided, single submitter. Criteria: Invitae Variant Classification Sherloc (09022015). Collection method: clinical testing. Allele origin: germline.
Comment: In summary, the available evidence is currently insufficient to determine the role of this variant in disease. Therefore, it has been classified as a Variant of Uncertain Significance. Algorithms developed to predict the effect of missense changes on protein structure and function are either unavailable or do not agree on the potential impact of this missense change (SIFT: "Tolerated"; PolyPhen-2: "Possibly Damaging"; Align-GVGD: "Class C0"). This variant has not been reported in the literature in individuals affected with POLD1-related conditions. This variant is not present in population databases (gnomAD no frequency). This sequence change replaces lysine, which is basic and polar, with glutamic acid, which is acidic and polar, at codon 1087 of the POLD1 protein (p.Lys1087Glu).

NM_002691.4(POLD1):c.3259A>G (p.Lys1087Glu)

Gene: POLD1 (DNA polymerase delta 1, catalytic subunit; plus strand). Cytogenetic location: 19q13.33.
Variant type: single nucleotide variant.
Coding change: c.3259A>G on transcript NM_002691.4 (MANE Select); coding-DNA position 3259, A replaced by G.
Protein change: p.Lys1087Glu; replaces lysine 1087 with glutamic acid.
Molecular consequence: missense variant. On other transcripts: non-coding transcript variant (1).
Genome position (GRCh38, 1-based): chr19:50,417,882, A>G. VCF-style: chr19-50417882-A-G. GRCh37 (hg19) VCF-style: chr19-50921139-A-G.
Other names: c.3259A>G, p.Lys1087Glu (NM_001256849.1); c.3337A>G, p.Lys1113Glu (NM_001308632.1); short protein forms K1113E, K1087E.
Identifiers: ClinVar variation 1729491 (VCV001729491.8), dbSNP rs2514087572, ClinGen allele CA406987782.